The following is an entry in ClinVar:

ClinVar aggregate classification (germline): Uncertain significance (1 of 4 stars; one submission).

Conditions:
Malignant hyperthermia, susceptibility to, 1 (MHS1). Also called: Anesthesia related hyperthermia; Malignant hyperpyrexia; Fulminating hyperpyrexia; Pharmacogenic myopathy; RYR1-Related Malignant Hyperthermia Susceptibility; Malignant hyperthermia suceptibility 1. Identifiers: Orphanet 423, MedGen C2930980, MONDO:0007783, OMIM 145600.

Submission:

All of Us Research Program, National Institutes of Health
Classification: Uncertain significance for Malignant hyperthermia, susceptibility to, 1. Last evaluated: 2023-05-04. Review status: criteria provided, single submitter. Criteria: ACMG Guidelines, 2015. Collection method: clinical testing. Allele origin: germline. Inheritance: Autosomal dominant inheritance. Observed: 1 variant allele, 1 heterozygote.
Comment: This missense variant replaces glutamic acid with lysine at codon 4750 of the RYR1 protein. Computational prediction is inconclusive regarding the impact of this variant on protein structure and function (internally defined REVEL score threshold 0.5 < inconclusive < 0.7, PMID: 27666373). To our knowledge, functional studies have not been reported for this variant. This variant has not been reported in individuals affected with RYR1-related disorders in the literature. This variant has not been identified in the general population by the Genome Aggregation Database (gnomAD). The available evidence is insufficient to determine the role of this variant in disease conclusively. Therefore, this variant is classified as a Variant of Uncertain Significance.

This study involves interpretation of variants in research participants for the purpose of population health screening. Participant phenotype was not available at the time of variant classification. Additional details can be found in publication PMID: 35346344, PMCID: PMC8962531

NM_000540.3(RYR1):c.14248G>A (p.Glu4750Lys)

Gene: RYR1 (ryanodine receptor 1; plus strand). Cytogenetic location: 19q13.2.
Variant type: single nucleotide variant.
Coding change: c.14248G>A on transcript NM_000540.3 (MANE Select); coding-DNA position 14248, G replaced by A.
Protein change: p.Glu4750Lys; replaces glutamic acid 4750 with lysine.
Molecular consequence: missense variant.
Genome position (GRCh38, 1-based): chr19:38,577,993, G>A. VCF-style: chr19-38577993-G-A. GRCh37 (hg19) VCF-style: chr19-39068633-G-A.
Other names: c.14233G>A, p.Glu4745Lys (NM_001042723.2); short protein forms E4745K, E4750K.
Identifiers: ClinVar variation 3070812 (VCV003070812.1), dbSNP rs2514738893, ClinGen allele CA405684608.